The following is an entry in ClinVar:

ClinVar aggregate classification (germline): Uncertain significance (1 of 4 stars; one submission).

Conditions:
Childhood onset GLUT1 deficiency syndrome 2. Also called: Paroxysmal exercise-induced dystonia; PxMD-SLC2A1; Exertion-induced paroxysmal dyskinesia; PAROXYSMAL EXERCISE-INDUCED DYSKINESIA WITH OR WITHOUT EPILEPSY AND/OR HEMOLYTIC ANEMIA; PAROXYSMAL EXERTION-INDUCED DYSTONIA WITH OR WITHOUT EPILEPSY AND/OR HEMOLYTIC ANEMIA; PED WITH OR WITHOUT EPILEPSY AND/OR HEMOLYTIC ANEMIA. Identifiers: Orphanet 98811, MedGen C1842534, MONDO:0012805, OMIM 612126.

Submission:

Institute of Human Genetics, University of Leipzig Medical Center
Classification: Uncertain significance for Childhood onset GLUT1 deficiency syndrome 2. Last evaluated: 2026-08-14. Review status: criteria provided, single submitter. Criteria: ACMG Guidelines, 2015. Collection method: clinical testing. Allele origin: unknown. Inheritance: Autosomal dominant inheritance. Affected: yes.
Comment: Criteria applied: PM2,PP2,PP3

NM_006516.4(SLC2A1):c.934G>A (p.Gly312Ser)

Gene: SLC2A1 (solute carrier family 2 member 1; minus strand). Cytogenetic location: 1p34.2.
Variant type: single nucleotide variant.
Coding change: c.934G>A on transcript NM_006516.4 (MANE Select); coding-DNA position 934, G replaced by A.
Protein change: p.Gly312Ser; replaces glycine 312 with serine.
Molecular consequence: missense variant.
Genome position (GRCh38, 1-based): chr1:42,929,248, C>T on the plus strand (G>A on the coding strand, the complement: SLC2A1 is on the minus strand). VCF-style: chr1-42929248-C-T. GRCh37 (hg19) VCF-style: chr1-43394919-C-T.
Other names: short protein forms G312S.
Identifiers: ClinVar variation 4890757 (VCV004890757.1).